The following is an entry in ClinVar:

NM_004525.3(LRP2):c.13250G>T (p.Gly4417Val)

Gene: LRP2 (LDL receptor related protein 2; minus strand). Cytogenetic location: 2q31.1.
Variant type: single nucleotide variant.
Coding change: c.13250G>T on transcript NM_004525.3 (MANE Select); coding-DNA position 13250, G replaced by T.
Protein change: p.Gly4417Val; replaces glycine 4417 with valine.
Molecular consequence: missense variant.
Genome position (GRCh38, 1-based): chr2:169,139,560, C>A on the plus strand (G>T on the coding strand, the complement: LRP2 is on the minus strand). VCF-style: chr2-169139560-C-A. GRCh37 (hg19) VCF-style: chr2-169996070-C-A.
Other names: short protein forms G4417V.
Identifiers: ClinVar variation 2110522 (VCV002110522.5), dbSNP rs41268685, ClinGen allele CA349156213.

ClinVar aggregate classification (germline): Uncertain significance (1 of 4 stars; one submission).

Submissions (2):

Labcorp Genetics (formerly Invitae), Labcorp
Classification: Uncertain significance. Last evaluated: 2024-02-23. Review status: criteria provided, single submitter. Criteria: Invitae Variant Classification Sherloc (09022015). Collection method: clinical testing. Allele origin: germline.
Comment: This sequence change replaces glycine, which is neutral and non-polar, with valine, which is neutral and non-polar, at codon 4417 of the LRP2 protein (p.Gly4417Val). This variant is not present in population databases (gnomAD no frequency). This variant has not been reported in the literature in individuals affected with LRP2-related conditions. ClinVar contains an entry for this variant (Variation ID: 2110522). Advanced modeling of protein sequence and biophysical properties (such as structural, functional, and spatial information, amino acid conservation, physicochemical variation, residue mobility, and thermodynamic stability) performed at Invitae indicates that this missense variant is not expected to disrupt LRP2 protein function with a negative predictive value of 95%. In summary, the available evidence is currently insufficient to determine the role of this variant in disease. Therefore, it has been classified as a Variant of Uncertain Significance.

Dr. Peter K. Rogan Lab, Western University
No classification provided (evidence only). Condition: Thyroid cancer, nonmedullary, 1. Review status: no classification provided. Collection method: in vitro. Allele origin: not applicable. Functional consequence: retained intron. Not counted in ClinVar's aggregate classification.